The following is an entry in ClinVar:

NM_006015.6(ARID1A):c.2402dup (p.Gln802fs)

Gene: ARID1A (AT-rich interaction domain 1A; plus strand). Cytogenetic location: 1p36.11.
Variant type: Duplication.
Coding change: c.2402dup on transcript NM_006015.6 (MANE Select); coding-DNA position 2402, one base duplicated (G; older notation c.2402dupG).
Protein change: p.Gln802fs; shifts the reading frame from glutamine 802.
Molecular consequence: frameshift variant.
Genome position (GRCh38, 1-based): chr1:26,762,302, G duplicated; the last of 6 consecutive G bases (chr1:26,762,297-26,762,302); duplicating any one gives the same sequence. VCF-style (leftmost placement, unchanged base first): chr1-26762296-A-AG. GRCh37 (hg19) VCF-style: chr1-27088787-A-AG.
Other names: c.2402dup, p.Gln802fs (NM_139135.4); short protein forms Q802fs.
Identifiers: ClinVar variation 4796575 (VCV004796575.1).

ClinVar aggregate classification (germline): Pathogenic (1 of 4 stars; one submission).

Conditions:
Intellectual disability, autosomal dominant 14 (CSS2). Also called: COFFIN-SIRIS SYNDROME 2. Identifiers: Orphanet 1465, MedGen C3553247, MONDO:0013819, OMIM 614607.

Submission:

Juno Genomics, Hangzhou Juno Genomics, Inc
Classification: Pathogenic for Intellectual disability, autosomal dominant 14. Review status: criteria provided, single submitter. Criteria: ACMG Guidelines, 2015. Collection method: clinical testing. Allele origin: germline. Affected: yes.
Comment: Absent from controls (or at extremely low frequency if recessive) in Genome Aggregation Database, Exome Sequencing Project, 1000 Genomes Project, or Exome Aggregation Consortium.;Null variant in a gene where loss of function (LOF) is a known mechanism of disease.;Assumed de novo, but without confirmation of paternity and maternity.